The following is an entry in ClinVar:

NM_033159.4(HYAL1):c.1058G>A (p.Ser353Asn)

Gene: HYAL1 (hyaluronidase 1; minus strand). Cytogenetic location: 3p21.31.
Variant type: single nucleotide variant.
Coding change: c.1058G>A on transcript NM_033159.4 (MANE Select); coding-DNA position 1058, G replaced by A.
Protein change: p.Ser353Asn; replaces serine 353 with asparagine.
Molecular consequence: missense variant. On other transcripts: non-coding transcript variant (1).
Genome position (GRCh38, 1-based): chr3:50,300,733, C>T on the plus strand (G>A on the coding strand, the complement: HYAL1 is on the minus strand). VCF-style: chr3-50300733-C-T. GRCh37 (hg19) VCF-style: chr3-50338164-C-T.
Other names: c.1058G>A, p.Ser353Asn (NM_007312.3, NM_153281.2); c.968G>A, p.Ser323Asn (NM_153282.3); c.512G>A, p.Ser171Asn (NM_153283.3); c.281G>A, p.Ser94Asn (NM_153285.3); short protein forms S171N, S353N, S323N, S94N.
Identifiers: ClinVar variation 2145259 (VCV002145259.1), dbSNP rs782200625, ClinGen allele CA2415738.

ClinVar aggregate classification (germline): Uncertain significance (1 of 4 stars; one submission).

Conditions:
Deficiency of hyaluronoglucosaminidase (MPS9). Also called: HYALURONIDASE DEFICIENCY; MPS IX; Mucopolysaccharidosis type 9. Identifiers: Orphanet 67041, MedGen C1291490, MONDO:0011093, OMIM 601492.

Allele frequency attached by ClinVar (database versions not stated): ExAC 0.00001; gnomAD 0.00001; gnomAD exomes 0.00002; TOPMed 0.00002.
gnomAD v4.1: 26 of 1,613,986 alleles (0.0016%); highest among the groups gnomAD compares: Non-Finnish European, 0.002%; no homozygotes.

Submission:

Labcorp Genetics (formerly Invitae), Labcorp
Classification: Uncertain significance for Deficiency of hyaluronoglucosaminidase. Last evaluated: 2022-04-10. Review status: criteria provided, single submitter. Criteria: Invitae Variant Classification Sherloc (09022015). Collection method: clinical testing. Allele origin: germline.
Comment: This sequence change replaces serine, which is neutral and polar, with asparagine, which is neutral and polar, at codon 353 of the HYAL1 protein (p.Ser353Asn). This variant is present in population databases (rs782200625, gnomAD 0.01%). This variant has not been reported in the literature in individuals affected with HYAL1-related conditions. Algorithms developed to predict the effect of missense changes on protein structure and function output the following: SIFT: "Tolerated"; PolyPhen-2: "Benign"; Align-GVGD: "Class C0". The asparagine amino acid residue is found in multiple mammalian species, which suggests that this missense change does not adversely affect protein function. In summary, the available evidence is currently insufficient to determine the role of this variant in disease. Therefore, it has been classified as a Variant of Uncertain Significance.